The following is an entry in ClinVar:

NM_000038.6(APC):c.2879C>A (p.Ser960Ter)

Gene: APC (APC regulator of Wnt signaling pathway; plus strand). Cytogenetic location: 5q22.2.
Variant type: single nucleotide variant.
Coding change: c.2879C>A on transcript NM_000038.6 (MANE Select); coding-DNA position 2879, C replaced by A.
Protein change: p.Ser960Ter; replaces serine 960 with a stop codon.
Molecular consequence: nonsense.
Genome position (GRCh38, 1-based): chr5:112,838,473, C>A. VCF-style: chr5-112838473-C-A. GRCh37 (hg19) VCF-style: chr5-112174170-C-A.
Other names: c.2879C>A, p.Ser960Ter (NM_001127510.3, NM_001354895.2, NM_001407450.1); c.2825C>A, p.Ser942Ter (NM_001127511.3); c.2933C>A, p.Ser978Ter (NM_001354896.2, NM_001407447.1, NM_001407448.1 and 1 more transcripts); c.2909C>A, p.Ser970Ter (NM_001354897.2); c.2804C>A, p.Ser935Ter (NM_001354898.2); c.2795C>A, p.Ser932Ter (NM_001354899.2); c.2756C>A, p.Ser919Ter (NM_001354900.2); c.2702C>A, p.Ser901Ter (NM_001354901.2, NM_001407453.1); and 11 more; short protein forms S834*, S869*, S901*, S935*, S988*, S831*, S877*, S800*.
Identifiers: ClinVar variation 1797136 (VCV001797136.2), dbSNP rs2149879342, ClinGen allele CA16027611.

ClinVar aggregate classification (germline): Pathogenic (1 of 4 stars; one submission).

Conditions:
Hereditary cancer-predisposing syndrome. Also called: Tumor predisposition; Hereditary Cancer Syndrome; Neoplastic Syndromes, Hereditary; Hereditary neoplastic syndrome. Identifiers: Orphanet 140162, MedGen C0027672, MeSH D009386, MONDO:0015356.

Submission:

Ambry Genetics
Classification: Pathogenic for Hereditary cancer-predisposing syndrome. Last evaluated: 2021-12-07. Review status: criteria provided, single submitter. Criteria: Ambry Variant Classification Scheme 2023. Collection method: clinical testing. Allele origin: germline.
Comment: The p.S960* variant (also known as c.2879C>A), located in coding exon 15 of the APC gene, results from a C to A substitution at nucleotide position 2879. This changes the amino acid from a serine to a stop codon within coding exon 15. This alteration occurs at the 3' terminus of theAPC gene, is not expected to trigger nonsense-mediated mRNA decay, and impacts the last 1,861 amino acids of the protein. However, premature stop codons are typically deleterious in nature, the impacted region is critical for protein function, and a significant portion of the protein is affected (Ambry internal data).Other truncating alterations downstream have been observed in individuals with a personal and/or family history that is consistent with APC-related disease (Ambry internal data). This alteration has been observed in at least one individual with a personal and/or family history that is consistent with APC-related disease (Ambry internal data).This variant is considered to be rare based on population cohorts in the Genome Aggregation Database (gnomAD). Based on the supporting evidence, this alteration is interpreted as a disease-causing mutation.